The following is an entry in ClinVar:

ClinVar aggregate classification (germline): Uncertain significance (1 of 4 stars; one submission).

Conditions:
Gorlin syndrome. Also called: Basal cell nevus syndrome; Nevoid Basal Cell Carcinoma Syndrome. Identifiers: Orphanet 377, MedGen C0004779, MONDO:0007187.

Submission:

Labcorp Genetics (formerly Invitae), Labcorp
Classification: Uncertain significance for Gorlin syndrome. Last evaluated: 2018-05-30. Review status: criteria provided, single submitter. Criteria: Invitae Variant Classification Sherloc (09022015). Collection method: clinical testing. Allele origin: unknown.
Comment: In summary, the available evidence is currently insufficient to determine the role of this variant in disease. Therefore, it has been classified as a Variant of Uncertain Significance. This particular variant has not been described in the literature; however, a smaller deletion of exons 19-22 has been reported in an individual affected with Gorlin syndrome (PMID: 22382802). This variant is a gross deletion of the genomic region encompassing exons 19-22 and part of exon 23 (c.3168+763_4244del) of the PTCH1 gene. While this is not anticipated to result in nonsense mediated decay, it likely alters RNA splicing and results in a disrupted protein product.

Literature cited by the submitters: PubMed 22382802.

NC_000009.11:g.(?_98209294)_(98219532_?)del

Gene: PTCH1 (patched 1; minus strand). Cytogenetic location: 9q22.32.
Variant type: Deletion.
Identifiers: ClinVar variation 3245053 (VCV003245053.1).